The following is an entry in ClinVar:

NM_001152.5(SLC25A5):c.663T>G (p.Thr221=)

Gene: SLC25A5 (solute carrier family 25 member 5; plus strand). Cytogenetic location: Xq24.
Variant type: single nucleotide variant.
Coding change: c.663T>G on transcript NM_001152.5 (MANE Select); coding-DNA position 663, T replaced by G.
Protein change: p.Thr221=; no amino-acid change (threonine 221 retained).
Molecular consequence: synonymous variant.
Genome position (GRCh38, 1-based): chrX:119,470,437, T>G. VCF-style: chrX-119470437-T-G. GRCh37 (hg19) VCF-style: chrX-118604400-T-G.
Identifiers: ClinVar variation 3059685 (VCV003059685.2), dbSNP rs116700864, ClinGen allele CA10502115.

ClinVar aggregate classification (germline): Likely benign (0 of 4 stars; one submission).

Conditions:
SLC25A5-related disorder. Also called: SLC25A5-related condition.

Allele frequency attached by ClinVar (database versions not stated): ExAC 0.00068; 1000 Genomes Project 30x 0.26368.

Submission:

PreventionGenetics, part of Exact Sciences
Classification: Likely benign for SLC25A5-related condition. Last evaluated: 2019-10-17. Review status: no assertion criteria provided. Collection method: clinical testing. Allele origin: germline.
Comment: This variant is classified as likely benign based on ACMG/AMP sequence variant interpretation guidelines (Richards et al. 2015 PMID: 25741868, with internal and published modifications).